The following is an entry in ClinVar:

NM_001387430.1(SH2B1):c.323T>C (p.Leu108Pro)

Gene: SH2B1 (SH2B adaptor protein 1; plus strand). Cytogenetic location: 16p11.2.
Variant type: single nucleotide variant.
Coding change: c.323T>C on transcript NM_001387430.1 (MANE Select); coding-DNA position 323, T replaced by C.
Protein change: p.Leu108Pro; replaces leucine 108 with proline.
Molecular consequence: missense variant. On other transcripts: intron variant (1).
Genome position (GRCh38, 1-based): chr16:28,866,417, T>C. VCF-style: chr16-28866417-T-C. GRCh37 (hg19) VCF-style: chr16-28877738-T-C.
Other names: c.323T>C, p.Leu108Pro (NM_001145795.2, NM_001145796.2, NM_001145797.2 and 4 more transcripts); c.-26-957T>C (NM_001308294.2); short protein forms L108P.
Identifiers: ClinVar variation 3161119 (VCV003161119.3), dbSNP rs780754138, ClinGen allele CA7985898.
Genomic context (GRCh38, chr16:28,866,417, plus strand): 5'-CGCCACCCATCCTGGCTCCCCTGAGCCCTGGTGCGGAGATTTCGCCACATGACCTGTCCC[T>C]TGAGAGCTGCAGGGTGGGTGGGCCCCTGGCTGTGCTGGGCCCTTCTCGATCATCTGAGGA-3'
Protein context (NP_001374359.1, residues 98-118): GAEISPHDLS[Leu108Pro]ESCRVGGPLA

ClinVar aggregate classification (germline): Uncertain significance. Review status: criteria provided, multiple submitters, no conflicts (2 of 4 stars). 2 submissions from 2 submitters: Uncertain significance (2). Last evaluated 2025-05-10.

Conditions:
SH2B1-related disorder. Also called: SH2B1-related condition.

Allele frequency attached by ClinVar (database versions not stated): TOPMed below 0.00001; ExAC 0.00001; gnomAD 0.00001; gnomAD exomes 0.00003.
gnomAD v4.1: 46 of 1,613,822 alleles (0.0029%); highest among the groups gnomAD compares: Non-Finnish European, 0.0034%; no homozygotes.

Submissions (2):

PreventionGenetics, part of Exact Sciences
Classification: Uncertain significance for SH2B1-related condition. Last evaluated: 2025-05-10. Review status: criteria provided, single submitter. Criteria: ACMG Guidelines, 2015. Collection method: clinical testing. Allele origin: germline.
Comment: The SH2B1 c.323T>C variant is predicted to result in the amino acid substitution p.Leu108Pro. To our knowledge, this variant has not been reported in the literature. This variant is reported in 0.0081% of alleles in individuals of African descent in gnomAD. At this time, the clinical significance of this variant is uncertain due to the absence of conclusive functional and genetic evidence.

Ambry Genetics
Classification: Uncertain significance. Last evaluated: 2024-01-09. Review status: criteria provided, single submitter. Criteria: Ambry Variant Classification Scheme 2023. Collection method: clinical testing. Allele origin: germline.